The following is an entry in ClinVar:

ClinVar aggregate classification (germline): Uncertain significance (1 of 4 stars; one submission).

Conditions:
Familial thoracic aortic aneurysm and aortic dissection (TAAD). Also called: Thoracic aortic aneurysms and dissections. Identifiers: Orphanet 91387, MedGen C4707243, MONDO:0019625.

Submission:

Ambry Genetics
Classification: Uncertain significance for Familial thoracic aortic aneurysm and aortic dissection. Last evaluated: 2015-04-20. Review status: criteria provided, single submitter. Criteria: Ambry Variant Classification Scheme 2023. Collection method: clinical testing. Allele origin: germline.
Comment: The p.L196R variant (also known as c.587T>G), located in coding exon 4 of the TGFBR1 gene, results from a T to G substitution at nucleotide position 587. The leucine at codon 196 is replaced by arginine, an amino acid with dissimilar properties. This variant was not reported in population based cohorts in the following databases: Database of Single Nucleotide Polymorphisms (dbSNP), NHLBI Exome Sequencing Project (ESP), and 1000 Genomes Project. In the ESP, this variant was not observed in 6503 samples (13006 alleles) with coverage at this position. This amino acid position is highly conserved in available vertebrate species. In addition, this alteration is predicted to be deleterious by in silico analysis. Since supporting evidence is limited at this time, the clinical significance of this variant remains unclear.

NM_004612.4(TGFBR1):c.587T>G (p.Leu196Arg)

Gene: TGFBR1 (transforming growth factor beta receptor 1; plus strand). Cytogenetic location: 9q22.33.
Variant type: single nucleotide variant.
Coding change: c.587T>G on transcript NM_004612.4 (MANE Select); coding-DNA position 587, T replaced by G.
Protein change: p.Leu196Arg; replaces leucine 196 with arginine.
Molecular consequence: missense variant.
Genome position (GRCh38, 1-based): chr9:99,137,871, T>G. VCF-style: chr9-99137871-T-G. GRCh37 (hg19) VCF-style: chr9-101900153-T-G.
Other names: c.356T>G, p.Leu119Arg (NM_001130916.3); c.599T>G, p.Leu200Arg (NM_001306210.2); short protein forms L196R, L200R, L119R.
Identifiers: ClinVar variation 263978 (VCV000263978.5), dbSNP rs886038998, ClinGen allele CA10587679.